The following is an entry in ClinVar:

ClinVar aggregate classification (germline): Conflicting classifications of pathogenicity. Review status: criteria provided, conflicting classifications (1 of 4 stars). 5 submissions from 5 submitters: Pathogenic (1); Uncertain significance (3). 1 of the submissions does not count toward it. Last evaluated 2026-02-09.

Conditions:
Intellectual disability, autosomal recessive 53 (NEDHSCA). Also called: NEURODEVELOPMENTAL DISORDER WITH OR WITHOUT HYPOTONIA, SEIZURES, AND CEREBELLAR ATROPHY; GLYCOSYLPHOSPHATIDYLINOSITOL BIOSYNTHESIS DEFECT 13; Mental retardation, autosomal recessive 53. Identifiers: Orphanet 488635, MedGen C4310794, MONDO:0014832, OMIM 616917.
Hyperphosphatasia with impaired intellectual development syndrome 1. Also called: Hyperphosphatasia with intellectual disability syndrome 1; MABRY SYNDROME; GLYCOSYLPHOSPHATIDYLINOSITOL BIOSYNTHESIS DEFECT 2. Identifiers: Orphanet 247262, MedGen C4551502, MONDO:0009398, OMIM 239300.

Allele frequency attached by ClinVar (database versions not stated): gnomAD exomes 0.00007 and 0.00010; ESP Exome Variant Server 0.00008; TOPMed 0.00008; gnomAD 0.00010; 1000 Genomes Project 30x 0.00016; ExAC 0.00018; 1000 Genomes Project 0.00020.
gnomAD v4.1: 150 of 1,595,968 alleles (0.0094%); highest among the groups gnomAD compares: East Asian, 0.24%; 1 homozygote.

Submissions (5):

Dasa
Classification: Uncertain significance. Last evaluated: 2026-02-09. Review status: criteria provided, single submitter. Criteria: DASA Assertion Criteria. Collection method: clinical testing. Allele origin: germline.
Comment: NM_001127178.3(PIGG):c.2005C>T (p.Arg669Cys) is a missense variant that results in the substitution of arginine with cysteine. This variant has been observed in affected individuals with PIGG-related disorders. Also, this variant is rare in population databases. Computational prediction algorithms are consistent with a deleterious effect. The currently available literature and clinical evidence are not sufficient to establish a definitive association between this variant and the reported condition. Therefore, this variant is classified as a variant of uncertain significance.

Labcorp Genetics (formerly Invitae), Labcorp
Classification: Uncertain significance for Intellectual disability, autosomal recessive 53. Last evaluated: 2024-10-30. Review status: criteria provided, single submitter. Criteria: Invitae Variant Classification Sherloc (09022015). Collection method: clinical testing. Allele origin: germline.
Comment: This sequence change replaces arginine, which is basic and polar, with cysteine, which is neutral and slightly polar, at codon 669 of the PIGG protein (p.Arg669Cys). This variant is present in population databases (rs372392424, gnomAD 0.02%). This missense change has been observed in individual(s) with intellectual disability, seizures, and hypotonia (PMID: 26996948). ClinVar contains an entry for this variant (Variation ID: 225638). Invitae Evidence Modeling of protein sequence and biophysical properties (such as structural, functional, and spatial information, amino acid conservation, physicochemical variation, residue mobility, and thermodynamic stability) indicates that this missense variant is expected to disrupt PIGG protein function with a positive predictive value of 80%. In summary, the available evidence is currently insufficient to determine the role of this variant in disease. Therefore, it has been classified as a Variant of Uncertain Significance.

GeneDx
Classification: Uncertain significance. Last evaluated: 2023-06-29. Review status: criteria provided, single submitter. Criteria: GeneDx Variant Classification Process June 2021. Collection method: clinical testing. Allele origin: germline. Affected: yes.
Comment: Published functional studies demonstrate a damaging effect: impairs the conversion of GPI precursor H7 to H8 (Makrythanasis et al., 2016); In silico analysis supports that this missense variant has a deleterious effect on protein structure/function; This variant is associated with the following publications: (PMID: Ishida2020[Functional Study], 27870114, 26996948)

Institute for Genomic Statistics and Bioinformatics, University Hospital Bonn
Classification: Pathogenic for Hyperphosphatasia with impaired intellectual development syndrome 1. Review status: criteria provided, single submitter. Criteria: ACMG Guidelines, 2015. Collection method: clinical testing. Allele origin: unknown. Affected: yes. Observed: 1 variant allele.

OMIM
Classification: Pathogenic for NEURODEVELOPMENTAL DISORDER WITH OR WITHOUT HYPOTONIA, SEIZURES, AND CEREBELLAR ATROPHY. Last evaluated: 2023-01-20. Review status: no assertion criteria provided. Collection method: literature only. Allele origin: germline. Not counted in ClinVar's aggregate classification.

Literature cited by the submitters: PubMed 26996948 (cited by Labcorp Genetics (formerly Invitae), Labcorp and OMIM).

NM_001127178.3(PIGG):c.2005C>T (p.Arg669Cys)

Gene: PIGG (phosphatidylinositol glycan anchor biosynthesis class G (EMM blood group); plus strand). Cytogenetic location: 4p16.3.
Variant type: single nucleotide variant.
Coding change: c.2005C>T on transcript NM_001127178.3 (MANE Select); coding-DNA position 2005, C replaced by T.
Protein change: p.Arg669Cys; replaces arginine 669 with cysteine.
Molecular consequence: missense variant. On other transcripts: non-coding transcript variant (6).
Genome position (GRCh38, 1-based): chr4:523,849, C>T. VCF-style: chr4-523849-C-T. GRCh37 (hg19) VCF-style: chr4-517638-C-T.
Other names: c.1738C>T, p.Arg580Cys (NM_001289051.2, NM_001345986.2); c.1606C>T, p.Arg536Cys (NM_001289052.2); c.1714C>T, p.Arg572Cys (NM_001345987.2); c.976C>T, p.Arg326Cys (NM_001345988.2); c.472C>T, p.Arg158Cys (NM_001345990.2, NM_001345991.2); c.907C>T, p.Arg303Cys (NM_001345994.2); c.1981C>T, p.Arg661Cys (NM_017733.5); short protein forms R669C, R303C, R326C, R661C, R158C, R536C, R572C, R580C.
Identifiers: ClinVar variation 225638 (VCV000225638.13), dbSNP rs372392424, ClinGen allele CA2793501.
Genomic context (GRCh38, chr4:523,849, plus strand): 5'-CGCGAGAAGTGGATGGTGCTGGCCAGTCCGTGGCTAATACTGGCCTGCTGCCGGCTGCTG[C>T]GCTCCCTAAACCAGACAGGTGTGCAGTGGGCTCACCGGCCTGACCTCGGCCACTGGCTCA-3'
Protein context (NP_001120650.1, residues 659-679): WLILACCRLL[Arg669Cys]SLNQTGVQWA